The following is an entry in ClinVar:

NM_000081.4(LYST):c.6710A>G (p.Gln2237Arg)

Gene: LYST (lysosomal trafficking regulator; minus strand). Cytogenetic location: 1q42.3.
Variant type: single nucleotide variant.
Coding change: c.6710A>G on transcript NM_000081.4 (MANE Select); coding-DNA position 6710, A replaced by G.
Protein change: p.Gln2237Arg; replaces glutamine 2237 with arginine.
Molecular consequence: missense variant.
Genome position (GRCh38, 1-based): chr1:235,759,143, T>C on the plus strand (A>G on the coding strand, the complement: LYST is on the minus strand). VCF-style: chr1-235759143-T-C. GRCh37 (hg19) VCF-style: chr1-235922443-T-C.
Other names: c.6710A>G, p.Gln2237Arg (NM_001301365.1); short protein forms Q2237R.
Identifiers: ClinVar variation 854925 (VCV000854925.6), dbSNP rs138443479, ClinGen allele CA344939770.

ClinVar aggregate classification (germline): Uncertain significance (1 of 4 stars; one submission).

Conditions:
Chédiak-Higashi syndrome (CHS). Also called: Chediak-Higashi Syndrome. Identifiers: Orphanet 167, MedGen C0007965, MONDO:0008963, OMIM 214500.

gnomAD v4.1: 4 of 1,614,188 alleles (0.00025%); highest among the groups gnomAD compares: Non-Finnish European, 0.00034%; no homozygotes.

Submission:

Labcorp Genetics (formerly Invitae), Labcorp
Classification: Uncertain significance for Chédiak-Higashi syndrome. Last evaluated: 2023-10-11. Review status: criteria provided, single submitter. Criteria: Invitae Variant Classification Sherloc (09022015). Collection method: clinical testing. Allele origin: germline.
Comment: This sequence change replaces glutamine, which is neutral and polar, with arginine, which is basic and polar, at codon 2237 of the LYST protein (p.Gln2237Arg). This variant is not present in population databases (gnomAD no frequency). This variant has not been reported in the literature in individuals affected with LYST-related conditions. ClinVar contains an entry for this variant (Variation ID: 854925). Advanced modeling of protein sequence and biophysical properties (such as structural, functional, and spatial information, amino acid conservation, physicochemical variation, residue mobility, and thermodynamic stability) performed at Invitae indicates that this missense variant is not expected to disrupt LYST protein function. In summary, the available evidence is currently insufficient to determine the role of this variant in disease. Therefore, it has been classified as a Variant of Uncertain Significance.